The following is an entry in ClinVar:

NM_001041.4(SI):c.2081C>A (p.Thr694Asn)

Gene: SI (sucrase-isomaltase; minus strand). Cytogenetic location: 3q26.1.
Variant type: single nucleotide variant.
Coding change: c.2081C>A on transcript NM_001041.4 (MANE Select); coding-DNA position 2081, C replaced by A.
Protein change: p.Thr694Asn; replaces threonine 694 with asparagine.
Molecular consequence: missense variant.
Genome position (GRCh38, 1-based): chr3:165,041,018, G>T on the plus strand (C>A on the coding strand, the complement: SI is on the minus strand). VCF-style: chr3-165041018-G-T. GRCh37 (hg19) VCF-style: chr3-164758806-G-T.
Other names: short protein forms T694N.
Identifiers: ClinVar variation 2100461 (VCV002100461.3), dbSNP rs1712801599, ClinGen allele CA355050609.

ClinVar aggregate classification (germline): Uncertain significance (1 of 4 stars; one submission).

gnomAD v4.1: 3 of 1,612,460 alleles (0.00019%); highest among the groups gnomAD compares: Non-Finnish European, 0.00025%; no homozygotes.

Submission:

Labcorp Genetics (formerly Invitae), Labcorp
Classification: Uncertain significance. Last evaluated: 2022-05-21. Review status: criteria provided, single submitter. Criteria: Invitae Variant Classification Sherloc (09022015). Collection method: clinical testing. Allele origin: germline.
Comment: This variant has not been reported in the literature in individuals affected with SI-related conditions. This variant is not present in population databases (gnomAD no frequency). This sequence change replaces threonine, which is neutral and polar, with asparagine, which is neutral and polar, at codon 694 of the SI protein (p.Thr694Asn). Advanced modeling of protein sequence and biophysical properties (such as structural, functional, and spatial information, amino acid conservation, physicochemical variation, residue mobility, and thermodynamic stability) performed at Invitae indicates that this missense variant is expected to disrupt SI protein function. In summary, the available evidence is currently insufficient to determine the role of this variant in disease. Therefore, it has been classified as a Variant of Uncertain Significance.